The following is an entry in ClinVar:

ClinVar aggregate classification (germline): Uncertain significance (1 of 4 stars; one submission).

Conditions:
Pitt-Hopkins syndrome (PTHS). Also called: ENCEPHALOPATHY, SEVERE EPILEPTIC, WITH AUTONOMIC DYSFUNCTION; MENTAL RETARDATION, SYNDROMAL, WITH INTERMITTENT HYPERVENTILATION. Identifiers: Orphanet 2896, MedGen C1970431, MONDO:0012589, OMIM 610954.

Allele frequency attached by ClinVar (database versions not stated): gnomAD exomes below 0.00001.
gnomAD v4.1: 2 of 1,613,898 alleles (0.00012%); highest among the groups gnomAD compares: Non-Finnish European, 0.00017%; no homozygotes.

Submission:

Labcorp Genetics (formerly Invitae), Labcorp
Classification: Uncertain significance for Pitt-Hopkins syndrome. Last evaluated: 2022-11-23. Review status: criteria provided, single submitter. Criteria: Invitae Variant Classification Sherloc (09022015). Collection method: clinical testing. Allele origin: germline.
Comment: This sequence change replaces asparagine, which is neutral and polar, with aspartic acid, which is acidic and polar, at codon 309 of the TCF4 protein (p.Asn309Asp). This variant is present in population databases (no rsID available, gnomAD 0.002%). This variant has not been reported in the literature in individuals affected with TCF4-related conditions. Algorithms developed to predict the effect of missense changes on protein structure and function are either unavailable or do not agree on the potential impact of this missense change (SIFT: "Tolerated"; PolyPhen-2: "Probably Damaging"; Align-GVGD: "Class C0"). Algorithms developed to predict the effect of sequence changes on RNA splicing suggest that this variant may create or strengthen a splice site. In summary, the available evidence is currently insufficient to determine the role of this variant in disease. Therefore, it has been classified as a Variant of Uncertain Significance.

NM_001083962.2(TCF4):c.925A>G (p.Asn309Asp)

Gene: TCF4 (transcription factor 4; minus strand). Cytogenetic location: 18q21.2.
Variant type: single nucleotide variant.
Coding change: c.925A>G on transcript NM_001083962.2 (MANE Select); coding-DNA position 925, A replaced by G.
Protein change: p.Asn309Asp; replaces asparagine 309 with aspartic acid.
Molecular consequence: missense variant.
Genome position (GRCh38, 1-based): chr18:55,261,531, T>C on the plus strand (A>G on the coding strand, the complement: TCF4 is on the minus strand). VCF-style: chr18-55261531-T-C. GRCh37 (hg19) VCF-style: chr18-52928762-T-C.
Other names: c.535A>G, p.Asn179Asp (NM_001348213.2, NM_001243233.2, NM_001330605.3 and 1 more transcripts); c.445A>G, p.Asn149Asp (NM_001348214.2, NM_001348216.2, NM_001243234.2 and 2 more transcripts); c.277A>G, p.Asn93Asp (NM_001348215.2); c.853A>G, p.Asn285Asp (NM_001348217.1, NM_001348218.2, NM_001348219.2 and 9 more transcripts); c.850A>G, p.Asn284Asp (NM_001348220.1, NM_001369578.1, NM_001369581.1 and 3 more transcripts); c.925A>G, p.Asn309Asp (NM_001369567.1, NM_001369568.1, NM_003199.3 and 4 more transcripts); c.1231A>G, p.Asn411Asp (NM_001243226.3); c.943A>G, p.Asn315Asp (NM_001243228.2); and 4 more; short protein forms N149D, N267D, N285D, N315D, N179D, N284D, N93D, N307D.
Identifiers: ClinVar variation 2815654 (VCV002815654.3), dbSNP rs1397255963, ClinGen allele CA402535291.
Genomic context (GRCh38, chr18:55,261,531, plus strand): 5'-CAAGTGCTTTCCCCAGAGCATCTCCAGTCTGGGAGCTGCCGGCTGCCCCGCTTCCTCTAT[T>C]TGCTGCAAAAACAAAAGGCAGAATATGAAAACCAGGCAGTGAGACGTCTAACAATTTTCT-3'
Protein context (NP_001077431.1, residues 299-319): PANGTDSIMA[Asn309Asp]RGSGAAGSSQ